The following is an entry in ClinVar:

NM_022552.5(DNMT3A):c.2082+10T>C

Gene: DNMT3A (DNA methyltransferase 3 alpha; minus strand). Cytogenetic location: 2p23.3.
Variant type: single nucleotide variant.
Coding change: c.2082+10T>C on transcript NM_022552.5 (MANE Select); 10 bases into the intron after coding-DNA position 2082, T replaced by C.
Molecular consequence: intron variant.
Genome position (GRCh38, 1-based): chr2:25,241,552, A>G on the plus strand (T>C on the coding strand, the complement: DNMT3A is on the minus strand). VCF-style: chr2-25241552-A-G. GRCh37 (hg19) VCF-style: chr2-25464421-A-G.
Other names: c.2082+10T>C (NM_175629.2); c.1515+10T>C (NM_153759.3); c.1626+10T>C (NM_001320893.1); c.1413+10T>C (NM_001375819.1).
Identifiers: ClinVar variation 3353170 (VCV003353170.3).

ClinVar aggregate classification (germline): Likely benign. Review status: criteria provided, single submitter (1 of 4 stars). 2 submissions from 2 submitters: Likely benign (1). 1 of the submissions does not count toward it. Last evaluated 2024-10-02.

Conditions:
DNMT3A-related disorder. Also called: DNMT3A-related condition; DNMT3A-related disorders.
Tatton-Brown-Rahman overgrowth syndrome. Also called: Tall stature-intellectual disability-facial dysmorphism syndrome; Tatton-Brown-Rahman syndrome. Identifiers: Orphanet 404443, MedGen C4014545, MONDO:0014382, OMIM 615879.

gnomAD v4.1: 2 of 1,610,300 alleles (0.00012%); highest among the groups gnomAD compares: Non-Finnish European, 0.00017%; no homozygotes.

Submissions (2):

Labcorp Genetics (formerly Invitae), Labcorp
Classification: Likely benign for Tatton-Brown-Rahman overgrowth syndrome. Last evaluated: 2024-10-02. Review status: criteria provided, single submitter. Criteria: Invitae Variant Classification Sherloc (09022015). Collection method: clinical testing. Allele origin: germline.

PreventionGenetics, part of Exact Sciences
Classification: Likely benign for DNMT3A-related condition. Last evaluated: 2022-09-30. Review status: no assertion criteria provided. Collection method: clinical testing. Allele origin: germline. Not counted in ClinVar's aggregate classification.
Comment: This variant is classified as likely benign based on ACMG/AMP sequence variant interpretation guidelines (Richards et al. 2015 PMID: 25741868, with internal and published modifications).